The following is an entry in ClinVar:

NM_000169.3(GLA):c.687T>G (p.Phe229Leu)

Genes: GLA (galactosidase alpha; minus strand), RPL36A-HNRNPH2 (RPL36A-HNRNPH2 readthrough; plus strand). Cytogenetic location: Xq22.1.
Variant type: single nucleotide variant.
Coding change: c.687T>G on transcript NM_000169.3 (MANE Select); coding-DNA position 687, T replaced by G.
Protein change: p.Phe229Leu; replaces phenylalanine 229 with leucine.
Molecular consequence: missense variant. On other transcripts: non-coding transcript variant (3), intron variant (2).
Genome position (GRCh38, 1-based): chrX:101,398,899, A>C on the plus strand (T>G on the coding strand, the complement: GLA is on the minus strand). VCF-style: chrX-101398899-A-C. GRCh37 (hg19) VCF-style: chrX-100653887-A-C.
Other names: c.810T>G, p.Phe270Leu (NM_001406747.1); c.687T>G, p.Phe229Leu (NM_001406748.1); c.300+3442A>C (NM_001199973.2); c.177+7077A>C (NM_001199974.2); short protein forms F229L, F270L.
Identifiers: ClinVar variation 4087467 (VCV004087467.2).

ClinVar aggregate classification (germline): Uncertain significance (1 of 4 stars; one submission).

Conditions:
Fabry disease. Also called: ALPHA-GALACTOSIDASE A DEFICIENCY; ANDERSON-FABRY DISEASE; CERAMIDE TRIHEXOSIDASE DEFICIENCY; GLA DEFICIENCY; HEREDITARY DYSTOPIC LIPIDOSIS; Angiokeratoma corporis diffusum. Identifiers: Orphanet 324, MedGen C0002986, MONDO:0010526, OMIM 301500, HP:0001071. Disease mechanism: Fabry disease is due to inactivating mutations in the X-linked GLA gene resulting in deficiency of the enzyme Alpha Galactosidase-A., loss of function.

Submission:

Genomenon, Inc
Classification: Uncertain significance for Fabry disease. Last evaluated: 2026-09-08. Review status: criteria provided, single submitter. Criteria: Genomenon Sequence Variant Interpretation Standards - Updated. Collection method: curation. Allele origin: germline. Affected: no.
Comment: GLA p.Phe229Leu (c.687T>G) is a missense variant that changes the amino acid at codon 229 from Phenylalanine to Leucine. This variant has been reported in the published literature (PMID:17223430;31956509). This variant is located in a mutational hotspot and/or important functional domain. It is absent or not present at a significant frequency in gnomAD. In silico models predict that this variant is possibly or probably damaging. In conclusion, we classify GLA p.Phe229Leu (c.687T>G) as a variant of uncertain significance.

Literature cited by the submitters: PubMed 17223430; PubMed 31956509.